The following is an entry in ClinVar:

NM_016642.4(SPTBN5):c.4278G>A (p.Arg1426=)

Gene: SPTBN5 (spectrin beta, non-erythrocytic 5; minus strand). Cytogenetic location: 15q15.1.
Variant type: single nucleotide variant.
Coding change: c.4278G>A on transcript NM_016642.4 (MANE Select); coding-DNA position 4278, G replaced by A.
Protein change: p.Arg1426=; no amino-acid change (arginine 1426 retained).
Molecular consequence: synonymous variant.
Genome position (GRCh38, 1-based): chr15:41,875,467, C>T on the plus strand (G>A on the coding strand, the complement: SPTBN5 is on the minus strand). VCF-style: chr15-41875467-C-T. GRCh37 (hg19) VCF-style: chr15-42167665-C-T.
Identifiers: ClinVar variation 3055259 (VCV003055259.2), dbSNP rs370733062, ClinGen allele CA7503316.

ClinVar aggregate classification (germline): Likely benign (0 of 4 stars; one submission).

Conditions:
SPTBN5-related disorder. Also called: SPTBN5-related condition.

Allele frequency attached by ClinVar (database versions not stated): gnomAD exomes 0.00005; TOPMed 0.00006; ESP Exome Variant Server 0.00008; gnomAD 0.00008; ExAC 0.00009.
gnomAD v4.1: 87 of 1,611,904 alleles (0.0054%); highest among the groups gnomAD compares: Non-Finnish European, 0.0071%; no homozygotes.

Submission:

PreventionGenetics, part of Exact Sciences
Classification: Likely benign for SPTBN5-related condition. Last evaluated: 2019-05-01. Review status: no assertion criteria provided. Collection method: clinical testing. Allele origin: germline.
Comment: This variant is classified as likely benign based on ACMG/AMP sequence variant interpretation guidelines (Richards et al. 2015 PMID: 25741868, with internal and published modifications).